The following is an entry in ClinVar:

ClinVar aggregate classification (germline): Uncertain significance (1 of 4 stars; one submission).

Allele frequency attached by ClinVar (database versions not stated): gnomAD 0.00001; TOPMed 0.00001.
gnomAD v4.1: 1 of 1,613,984 alleles (0.000062%); highest among the groups gnomAD compares: Admixed American, 0.0017%; no homozygotes.

Submission:

Labcorp Genetics (formerly Invitae), Labcorp
Classification: Uncertain significance. Last evaluated: 2021-12-28. Review status: criteria provided, single submitter. Criteria: Invitae Variant Classification Sherloc (09022015). Collection method: clinical testing. Allele origin: germline.
Comment: Algorithms developed to predict the effect of missense changes on protein structure and function (SIFT, PolyPhen-2, Align-GVGD) all suggest that this variant is likely to be disruptive. This variant has not been reported in the literature in individuals affected with LAMB1-related conditions. This variant is not present in population databases (gnomAD no frequency). This sequence change replaces glycine, which is neutral and non-polar, with arginine, which is basic and polar, at codon 269 of the LAMB1 protein (p.Gly269Arg). Algorithms developed to predict the effect of sequence changes on RNA splicing suggest that this variant may create or strengthen a splice site. In summary, the available evidence is currently insufficient to determine the role of this variant in disease. Therefore, it has been classified as a Variant of Uncertain Significance.

NM_002291.3(LAMB1):c.805G>A (p.Gly269Arg)

Gene: LAMB1 (laminin subunit beta 1; minus strand). Cytogenetic location: 7q31.1.
Variant type: single nucleotide variant.
Coding change: c.805G>A on transcript NM_002291.3 (MANE Select); coding-DNA position 805, G replaced by A.
Protein change: p.Gly269Arg; replaces glycine 269 with arginine.
Molecular consequence: missense variant.
Genome position (GRCh38, 1-based): chr7:107,980,683, C>T on the plus strand (G>A on the coding strand, the complement: LAMB1 is on the minus strand). VCF-style: chr7-107980683-C-T. GRCh37 (hg19) VCF-style: chr7-107621128-C-T.
Other names: short protein forms G269R.
Identifiers: ClinVar variation 2063498 (VCV002063498.4), dbSNP rs779122017, ClinGen allele CA368880027.